The following is an entry in ClinVar:

ClinVar aggregate classification (germline): Uncertain significance (1 of 4 stars; one submission).

Conditions:
Epidermolysis bullosa simplex 3, localized or generalized intermediate, with BP230 deficiency (EBS3). Also called: Epidermolysis bullosa simplex due to BP230 deficiency; Epidermolysis bullosa simplex, autosomal recessive 2. Identifiers: Orphanet 412181, MedGen C3809470, MONDO:0014180, OMIM 615425.
Hereditary sensory and autonomic neuropathy type 6. Also called: Neuropathy, hereditary sensory and autonomic, type VI; HSAN VI. Identifiers: Orphanet 314381, MedGen C3539003, MONDO:0013839, OMIM 614653.

gnomAD v4.1: 1 of 1,614,140 alleles (0.000062%); highest among the groups gnomAD compares: Non-Finnish European, 0.000085%; no homozygotes.

Submission:

Labcorp Genetics (formerly Invitae), Labcorp
Classification: Uncertain significance for Epidermolysis bullosa simplex 3, localized or generalized intermediate, with BP230 deficiency; Hereditary sensory and autonomic neuropathy type 6. Last evaluated: 2021-07-16. Review status: criteria provided, single submitter. Criteria: Invitae Variant Classification Sherloc (09022015). Collection method: clinical testing. Allele origin: germline.
Comment: This sequence change replaces isoleucine with valine at codon 2604 of the DST protein (p.Ile2604Val). The isoleucine residue is weakly conserved and there is a small physicochemical difference between isoleucine and valine. This variant is not present in population databases (ExAC no frequency). This variant has not been reported in the literature in individuals affected with DST-related conditions. Algorithms developed to predict the effect of missense changes on protein structure and function (SIFT, PolyPhen-2, Align-GVGD) all suggest that this variant is likely to be tolerated. Algorithms developed to predict the effect of sequence changes on RNA splicing suggest that this variant may create or strengthen a splice site. In summary, the available evidence is currently insufficient to determine the role of this variant in disease. Therefore, it has been classified as a Variant of Uncertain Significance.

NM_001723.7(DST):c.7810A>G (p.Ile2604Val)

Gene: DST (dystonin; minus strand). Cytogenetic location: 6p12.1.
Variant type: single nucleotide variant.
Coding change: c.7810A>G on transcript NM_001723.7 (MANE Plus Clinical); coding-DNA position 7810, A replaced by G.
Protein change: p.Ile2604Val; replaces isoleucine 2604 with valine.
Molecular consequence: missense variant. On other transcripts: intron variant (10).
Genome position (GRCh38, 1-based): chr6:56,615,657, T>C on the plus strand (A>G on the coding strand, the complement: DST is on the minus strand). VCF-style: chr6-56615657-T-C. GRCh37 (hg19) VCF-style: chr6-56480455-T-C.
Other names: c.4831-1173A>G (NM_001144769.5); c.4930-1173A>G (NM_001374722.1, NM_001374736.1); c.4957-1173A>G (NM_001374734.1); c.4417-1173A>G (NM_001144770.2); c.4297-1173A>G (NM_001374730.1, NM_001386100.1, NM_183380.4 and 1 more transcripts); c.3319-1173A>G (NM_015548.5); short protein forms I2604V.
Identifiers: ClinVar variation 1497477 (VCV001497477.8), dbSNP rs2152727882, ClinGen allele CA364562196.
Genomic context (GRCh38, chr6:56,615,657, plus strand): 5'-CAAAATCAGCTTTTTCTAAGGCTTCTTTATATGTCAACTTTCTTTTTGTCTGAGGGCATA[T>C]TATATTTCTGACATATGACTTTTGATCTTTGAGTTTTGTGGCAATGAGGACATCTATAAT-3'
Protein context (NP_001714.1, residues 2594-2614): KDQKSYVRNI[Ile2604Val]CPQTKRKLTY